The following is an entry in ClinVar:

NM_000458.4(HNF1B):c.1188C>T (p.Leu396=)

Gene: HNF1B (HNF1 homeobox B; minus strand). Cytogenetic location: 17q12.
Variant type: single nucleotide variant.
Coding change: c.1188C>T on transcript NM_000458.4 (MANE Select); coding-DNA position 1188, C replaced by T.
Protein change: p.Leu396=; no amino-acid change (leucine 396 retained).
Molecular consequence: synonymous variant.
Genome position (GRCh38, 1-based): chr17:37,710,521, G>A on the plus strand (C>T on the coding strand, the complement: HNF1B is on the minus strand). VCF-style: chr17-37710521-G-A. GRCh37 (hg19) VCF-style: chr17-36070529-G-A.
Other names: c.1110C>T, p.Leu370= (NM_001165923.4, NM_001304286.2); c.1188C>T, p.Leu396= (NM_001411100.1); c.1188C>T (NM_000458.3).
Identifiers: ClinVar variation 1744012 (VCV001744012.10), dbSNP rs1181356826, ClinGen allele CA499602242.

ClinVar aggregate classification (germline): Likely benign. Review status: criteria provided, multiple submitters, no conflicts (2 of 4 stars). 4 submissions from 4 submitters: Likely benign (3). 1 of the submissions does not count toward it. Last evaluated 2025-06-08.

Conditions:
HNF1B-related disorder. Also called: HNF1B-related condition; HNF1B-related disorders.
Maturity-onset diabetes of the young (MODY). Also called: Maturity onset diabetes mellitus in young. Identifiers: Orphanet 552, MedGen C0342276, MONDO:0018911, HP:0004904.

Allele frequency attached by ClinVar (database versions not stated): gnomAD 0.00001; gnomAD exomes 0.00001.
gnomAD v4.1: 11 of 1,614,106 alleles (0.00068%); highest among the groups gnomAD compares: Non-Finnish European, 0.00085%; no homozygotes.

Submissions (4):

Labcorp Genetics (formerly Invitae), Labcorp
Classification: Likely benign. Last evaluated: 2025-06-08. Review status: criteria provided, single submitter. Criteria: Invitae Variant Classification Sherloc (09022015). Collection method: clinical testing. Allele origin: germline.

Women's Health and Genetics/Laboratory Corporation of America, LabCorp
Classification: Likely benign. Last evaluated: 2024-12-06. Review status: criteria provided, single submitter. Criteria: LabCorp Variant Classification Summary - May 2015. Collection method: clinical testing. Allele origin: germline.

Ambry Genetics
Classification: Likely benign for Maturity-onset diabetes of the young. Last evaluated: 2022-06-12. Review status: criteria provided, single submitter. Criteria: Ambry Variant Classification Scheme 2023. Collection method: clinical testing. Allele origin: germline.

PreventionGenetics, part of Exact Sciences
Classification: Likely benign for HNF1B-related condition. Last evaluated: 2020-02-18. Review status: no assertion criteria provided. Collection method: clinical testing. Allele origin: germline. Not counted in ClinVar's aggregate classification.
Comment: This variant is classified as likely benign based on ACMG/AMP sequence variant interpretation guidelines (Richards et al. 2015 PMID: 25741868, with internal and published modifications).